The following is an entry in ClinVar:

ClinVar aggregate classification (germline): Likely benign. Review status: criteria provided, multiple submitters, no conflicts (2 of 4 stars). 2 submissions from 2 submitters: Likely benign (2). Last evaluated 2026-02-24.

Conditions:
DGKE-related disorder. Also called: DGKE-related condition.

gnomAD v4.1: 29 of 1,613,664 alleles (0.0018%); highest among the groups gnomAD compares: Admixed American, 0.028%; no homozygotes.

Submissions (2):

PreventionGenetics, part of Exact Sciences
Classification: Likely benign for DGKE-related condition. Last evaluated: 2026-02-24. Review status: criteria provided, single submitter. Criteria: ACMG Guidelines, 2015. Collection method: clinical testing. Allele origin: germline.
Comment: This variant is classified as likely benign based on ACMG/AMP sequence variant interpretation guidelines (Richards et al. 2015 PMID: 25741868, with internal and published modifications).

Labcorp Genetics (formerly Invitae), Labcorp
Classification: Likely benign. Last evaluated: 2024-11-13. Review status: criteria provided, single submitter. Criteria: Invitae Variant Classification Sherloc (09022015). Collection method: clinical testing. Allele origin: germline.

NM_003647.3(DGKE):c.1359C>T (p.Gly453=)

Gene: DGKE (diacylglycerol kinase epsilon; plus strand). Cytogenetic location: 17q22.
Variant type: single nucleotide variant.
Coding change: c.1359C>T on transcript NM_003647.3 (MANE Select); coding-DNA position 1359, C replaced by T.
Protein change: p.Gly453=; no amino-acid change (glycine 453 retained).
Molecular consequence: synonymous variant.
Genome position (GRCh38, 1-based): chr17:56,861,865, C>T. VCF-style: chr17-56861865-C-T. GRCh37 (hg19) VCF-style: chr17-54939226-C-T.
Other names: c.1359C>T (NM_003647.2).
Identifiers: ClinVar variation 3603961 (VCV003603961.3).